The following is an entry in ClinVar:

ClinVar aggregate classification (germline): Uncertain significance (1 of 4 stars; one submission).

Conditions:
Joubert syndrome. Also called: Familial aplasia of the vermis; CEREBELLOPARENCHYMAL DISORDER IV; JOUBERT-BOLTSHAUSER SYNDROME. Identifiers: Orphanet 475, MedGen C5979921, MONDO:0018772.

Allele frequency attached by ClinVar (database versions not stated): gnomAD exomes 0.00002 and below 0.00001; ExAC 0.00001.

Submission:

Labcorp Genetics (formerly Invitae), Labcorp
Classification: Uncertain significance for Joubert syndrome. Last evaluated: 2021-08-31. Review status: criteria provided, single submitter. Criteria: Invitae Variant Classification Sherloc (09022015). Collection method: clinical testing. Allele origin: germline.
Comment: This sequence change replaces leucine with valine at codon 224 of the AHI1 protein (p.Leu224Val). The leucine residue is weakly conserved and there is a small physicochemical difference between leucine and valine. This variant is present in population databases (rs767206985, ExAC 0.009%). This variant has not been reported in the literature in individuals affected with AHI1-related conditions. Algorithms developed to predict the effect of missense changes on protein structure and function (SIFT, PolyPhen-2, Align-GVGD) all suggest that this variant is likely to be tolerated. In summary, the available evidence is currently insufficient to determine the role of this variant in disease. Therefore, it has been classified as a Variant of Uncertain Significance.

NM_001134831.2(AHI1):c.670T>G (p.Leu224Val)

Gene: AHI1 (Abelson helper integration site 1; minus strand). Cytogenetic location: 6q23.3.
Variant type: single nucleotide variant.
Coding change: c.670T>G on transcript NM_001134831.2 (MANE Select); coding-DNA position 670, T replaced by G.
Protein change: p.Leu224Val; replaces leucine 224 with valine.
Molecular consequence: missense variant.
Genome position (GRCh38, 1-based): chr6:135,465,893, A>C on the plus strand (T>G on the coding strand, the complement: AHI1 is on the minus strand). VCF-style: chr6-135465893-A-C. GRCh37 (hg19) VCF-style: chr6-135787031-A-C.
Other names: c.670T>G, p.Leu224Val (NM_001134830.2, NM_001134832.2, NM_001350503.2 and 2 more transcripts); short protein forms L224V.
Identifiers: ClinVar variation 1036520 (VCV001036520.6), dbSNP rs767206985, ClinGen allele CA4012786.